The following is an entry in ClinVar:

ClinVar aggregate classification (germline): Pathogenic/Likely pathogenic. Review status: criteria provided, multiple submitters, no conflicts (2 of 4 stars). 2 submissions from 2 submitters: Pathogenic (1); Likely pathogenic (1). Last evaluated 2023-10-22.

Conditions:
Hereditary cancer-predisposing syndrome. Also called: Hereditary neoplastic syndrome; Neoplastic Syndromes, Hereditary; Tumor predisposition; Hereditary Cancer Syndrome. Identifiers: Orphanet 140162, MedGen C0027672, MeSH D009386, MONDO:0015356.

Submissions (2):

Labcorp Genetics (formerly Invitae), Labcorp
Classification: Likely pathogenic for Hereditary cancer-predisposing syndrome. Last evaluated: 2023-10-22. Review status: criteria provided, single submitter. Criteria: Invitae Variant Classification Sherloc (09022015). Collection method: clinical testing. Allele origin: germline.
Comment: This sequence change affects an acceptor splice site in intron 7 of the RAD50 gene. It is expected to disrupt RNA splicing. Variants that disrupt the donor or acceptor splice site typically lead to a loss of protein function (PMID: 16199547), and loss-of-function variants in RAD50 are known to be pathogenic (PMID: 19409520). This variant is not present in population databases (gnomAD no frequency). This variant has not been reported in the literature in individuals affected with RAD50-related conditions. ClinVar contains an entry for this variant (Variation ID: 835910). Algorithms developed to predict the effect of sequence changes on RNA splicing suggest that this variant may disrupt the consensus splice site. In summary, the currently available evidence indicates that the variant is pathogenic, but additional data are needed to prove that conclusively. Therefore, this variant has been classified as Likely Pathogenic.

Institute for Clinical Genetics, University Hospital TU Dresden, University Hospital TU Dresden
Classification: Pathogenic. Last evaluated: 2021-11-03. Review status: criteria provided, single submitter. Criteria: ACMG Guidelines, 2015. Collection method: clinical testing. Allele origin: germline.

Literature cited by the submitters: PubMed 16199547 (cited by Labcorp Genetics (formerly Invitae), Labcorp); PubMed 19409520 (cited by Labcorp Genetics (formerly Invitae), Labcorp).

NM_005732.4(RAD50):c.1052-1G>T

Gene: RAD50 (RAD50 double strand break repair protein; plus strand). Cytogenetic location: 5q31.1.
Variant type: single nucleotide variant.
Coding change: c.1052-1G>T on transcript NM_005732.4 (MANE Select); the canonical splice acceptor site of the intron before coding-DNA position 1052, G replaced by T.
Molecular consequence: splice acceptor variant.
Genome position (GRCh38, 1-based): chr5:132,588,686, G>T. VCF-style: chr5-132588686-G-T. GRCh37 (hg19) VCF-style: chr5-131924378-G-T.
Identifiers: ClinVar variation 835910 (VCV000835910.28), dbSNP rs1750640480, ClinGen allele CA360941938.